The following is an entry in ClinVar:

ClinVar aggregate classification (germline): Uncertain significance (1 of 4 stars; one submission).

Conditions:
Agammaglobulinemia 7, autosomal recessive (AGM7). Also called: AGAMMAGLOBULINEMIA, AUTOSOMAL RECESSIVE, DUE TO PIK3R1 DEFECT. Identifiers: MedGen C3554689, MONDO:0014083, OMIM 615214.
SHORT syndrome. Also called: SHORT STATURE, HYPEREXTENSIBILITY, HERNIA, OCULAR DEPRESSION, RIEGER ANOMALY, AND TEETHING DELAY; LIPODYSTROPHY, PARTIAL, WITH RIEGER ANOMALY AND SHORT STATURE; PIK3R1-Related SHORT Syndrome. Identifiers: Orphanet 3163, MedGen C0878684, MONDO:0010026, OMIM 269880.
Immunodeficiency 36 with lymphoproliferation. Also called: Immunodeficiency 36; Activated PI3K Delta Syndrome Type 2 (APDS2); ACTIVATED PI3K-DELTA SYNDROME 2. Identifiers: Orphanet 397596, Orphanet 693681, MedGen C4014934, MONDO:0014453, OMIM 616005.

gnomAD v4.1: 1 of 1,613,308 alleles (0.000062%); highest among the groups gnomAD compares: South Asian, 0.0011%; no homozygotes.

Submission:

Labcorp Genetics (formerly Invitae), Labcorp
Classification: Uncertain significance for SHORT syndrome; Immunodeficiency 36 with lymphoproliferation; Agammaglobulinemia 7, autosomal recessive. Last evaluated: 2025-11-19. Review status: criteria provided, single submitter. Criteria: Invitae Variant Classification Sherloc (09022015). Collection method: clinical testing. Allele origin: germline.
Comment: This sequence change replaces leucine, which is neutral and non-polar, with arginine, which is basic and polar, at codon 165 of the PIK3R1 protein (p.Leu165Arg). This variant is not present in population databases (gnomAD no frequency). This variant has not been reported in the literature in individuals affected with PIK3R1-related conditions. An algorithm developed to predict the effect of missense changes on protein structure and function (PolyPhen-2) suggests that this variant is likely to be disruptive. In summary, the available evidence is currently insufficient to determine the role of this variant in disease. Therefore, it has been classified as a Variant of Uncertain Significance.

NM_181523.3(PIK3R1):c.494T>G (p.Leu165Arg)

Gene: PIK3R1 (phosphoinositide-3-kinase regulatory subunit 1; plus strand). Cytogenetic location: 5q13.1.
Variant type: single nucleotide variant.
Coding change: c.494T>G on transcript NM_181523.3 (MANE Select); coding-DNA position 494, T replaced by G.
Protein change: p.Leu165Arg; replaces leucine 165 with arginine.
Molecular consequence: missense variant.
Genome position (GRCh38, 1-based): chr5:68,274,005, T>G. VCF-style: chr5-68274005-T-G. GRCh37 (hg19) VCF-style: chr5-67569833-T-G.
Other names: short protein forms L165R.
Identifiers: ClinVar variation 4792171 (VCV004792171.1).